The following is an entry in ClinVar:

ClinVar aggregate classification (germline): Conflicting classifications of pathogenicity. Review status: criteria provided, conflicting classifications (1 of 4 stars). 2 submissions from 2 submitters: Uncertain significance (1); Likely benign (1). Last evaluated 2025-12-03.

Conditions:
RASopathy. Also called: Noonan spectrum disorder; rasopathies. Identifiers: Orphanet 536391, MedGen C5555857, MONDO:0021060.

Allele frequency attached by ClinVar (database versions not stated): gnomAD 0.00001 and 0.00002; gnomAD exomes 0.00001 and 0.00002; TOPMed 0.00002; ExAC 0.00003.
gnomAD v4.1: 11 of 1,614,060 alleles (0.00068%); highest among the groups gnomAD compares: South Asian, 0.0033%; no homozygotes.

Submissions (2):

Labcorp Genetics (formerly Invitae), Labcorp
Classification: Likely benign for RASopathy. Last evaluated: 2025-12-03. Review status: criteria provided, single submitter. Criteria: Invitae Variant Classification Sherloc (09022015). Collection method: clinical testing. Allele origin: germline.

Women's Health and Genetics/Laboratory Corporation of America, LabCorp
Classification: Uncertain significance. Last evaluated: 2020-09-16. Review status: criteria provided, single submitter. Criteria: LabCorp Variant Classification Summary - May 2015. Collection method: clinical testing. Allele origin: germline.
Comment: Variant summary: CBL c.1637C>T (p.Pro546Leu) results in a non-conservative amino acid change in the encoded protein sequence. Four of five in-silico tools predict a damaging effect of the variant on protein function. The variant allele was found at a frequency of 2.4e-05 in 251442 control chromosomes (gnomAD). The available data on variant occurrences in the general population are insufficient to allow any conclusion about variant significance. To our knowledge, no occurrence of c.1637C>T in individuals affected with Noonan Syndrome-Like Disorder and no experimental evidence demonstrating its impact on protein function have been reported. No clinical diagnostic laboratories have submitted clinical-significance assessments for this variant to ClinVar after 2014. Based on the evidence outlined above, the variant was classified as uncertain significance.

NM_005188.4(CBL):c.1637C>T (p.Pro546Leu)

Gene: CBL (Cbl proto-oncogene; plus strand). Cytogenetic location: 11q23.3.
Variant type: single nucleotide variant.
Coding change: c.1637C>T on transcript NM_005188.4 (MANE Select); coding-DNA position 1637, C replaced by T.
Protein change: p.Pro546Leu; replaces proline 546 with leucine.
Molecular consequence: missense variant.
Genome position (GRCh38, 1-based): chr11:119,285,262, C>T. VCF-style: chr11-119285262-C-T. GRCh37 (hg19) VCF-style: chr11-119155972-C-T.
Other names: short protein forms P546L.
Identifiers: ClinVar variation 981093 (VCV000981093.8), dbSNP rs751274314, ClinGen allele CA6318578.